The following is an entry in ClinVar:

NM_001041.4(SI):c.4119G>T (p.Trp1373Cys)

Gene: SI (sucrase-isomaltase; minus strand). Cytogenetic location: 3q26.1.
Variant type: single nucleotide variant.
Coding change: c.4119G>T on transcript NM_001041.4 (MANE Select); coding-DNA position 4119, G replaced by T.
Protein change: p.Trp1373Cys; replaces tryptophan 1373 with cysteine.
Molecular consequence: missense variant.
Genome position (GRCh38, 1-based): chr3:165,009,339, C>A on the plus strand (G>T on the coding strand, the complement: SI is on the minus strand). VCF-style: chr3-165009339-C-A. GRCh37 (hg19) VCF-style: chr3-164727127-C-A.
Other names: short protein forms W1373C.
Identifiers: ClinVar variation 1355660 (VCV001355660.5), dbSNP rs751871061, ClinGen allele CA355033721.
Genomic context (GRCh38, chr3:165,009,339, plus strand): 5'-AATCCACAAACCATCAAACTTCATCTTTTCATTGTAAAAGTCCACAATTTCTCTGGCCCA[C>A]CACTCTGCTGTGGAAGTCCTGAAGAAATCTGGGAAAGCTACATGAGCTCTGGAAGCCTGT-3'
Protein context (NP_001032.2, residues 1363-1383): PDFFRTSTAE[Trp1373Cys]WAREIVDFYN

ClinVar aggregate classification (germline): Uncertain significance (1 of 4 stars; one submission).

gnomAD v4.1: 13 of 1,613,676 alleles (0.00081%); highest among the groups gnomAD compares: Non-Finnish European, 0.0011%; no homozygotes.

Submission:

Labcorp Genetics (formerly Invitae), Labcorp
Classification: Uncertain significance. Last evaluated: 2022-06-27. Review status: criteria provided, single submitter. Criteria: Invitae Variant Classification Sherloc (09022015). Collection method: clinical testing. Allele origin: germline.
Comment: In summary, the available evidence is currently insufficient to determine the role of this variant in disease. Therefore, it has been classified as a Variant of Uncertain Significance. Advanced modeling of protein sequence and biophysical properties (such as structural, functional, and spatial information, amino acid conservation, physicochemical variation, residue mobility, and thermodynamic stability) performed at Invitae indicates that this missense variant is expected to disrupt SI protein function. This variant has not been reported in the literature in individuals affected with SI-related conditions. This variant is not present in population databases (gnomAD no frequency). This sequence change replaces tryptophan, which is neutral and slightly polar, with cysteine, which is neutral and slightly polar, at codon 1373 of the SI protein (p.Trp1373Cys).